The following is an entry in ClinVar:

NM_006270.5(RRAS):c.295C>T (p.Arg99Cys)

Gene: RRAS (RAS related; minus strand). Cytogenetic location: 19q13.33.
Variant type: single nucleotide variant.
Coding change: c.295C>T on transcript NM_006270.5 (MANE Select); coding-DNA position 295, C replaced by T.
Protein change: p.Arg99Cys; replaces arginine 99 with cysteine.
Molecular consequence: missense variant.
Genome position (GRCh38, 1-based): chr19:49,636,873, G>A on the plus strand (C>T on the coding strand, the complement: RRAS is on the minus strand). VCF-style: chr19-49636873-G-A. GRCh37 (hg19) VCF-style: chr19-50140130-G-A.
Other names: c.295C>T (NM_006270.3); short protein forms R99C.
Identifiers: ClinVar variation 1943632 (VCV001943632.4), dbSNP rs1488434625, ClinGen allele CA406847242.

ClinVar aggregate classification (germline): Uncertain significance. Review status: criteria provided, multiple submitters, no conflicts (2 of 4 stars). 2 submissions from 2 submitters: Uncertain significance (2). Last evaluated 2023-06-05.

Conditions:
Noonan syndrome (NS). Also called: Noonan's syndrome. Identifiers: Orphanet 648, MedGen C0028326, MeSH D009634, MONDO:0018997. Disease mechanism: gain of function.

Allele frequency attached by ClinVar (database versions not stated): TOPMed 0.00001; gnomAD 0.00002; gnomAD exomes 0.00003.
gnomAD v4.1: 41 of 1,613,304 alleles (0.0025%); highest among the groups gnomAD compares: Non-Finnish European, 0.0033%; no homozygotes.

Submissions (2):

Ambry Genetics
Classification: Uncertain significance. Last evaluated: 2023-06-05. Review status: criteria provided, single submitter. Criteria: Ambry Variant Classification Scheme 2023. Collection method: clinical testing. Allele origin: germline.

Labcorp Genetics (formerly Invitae), Labcorp
Classification: Uncertain significance for Noonan syndrome. Last evaluated: 2022-06-22. Review status: criteria provided, single submitter. Criteria: Invitae Variant Classification Sherloc (09022015). Collection method: clinical testing. Allele origin: germline.
Comment: This sequence change replaces arginine, which is basic and polar, with cysteine, which is neutral and slightly polar, at codon 99 of the RRAS protein (p.Arg99Cys). This variant is present in population databases (no rsID available, gnomAD 0.0009%). This variant has not been reported in the literature in individuals affected with RRAS-related conditions. Algorithms developed to predict the effect of missense changes on protein structure and function (SIFT, PolyPhen-2, Align-GVGD) all suggest that this variant is likely to be disruptive. In summary, the available evidence is currently insufficient to determine the role of this variant in disease. Therefore, it has been classified as a Variant of Uncertain Significance.